The following is an entry in ClinVar:

NM_000540.3(RYR1):c.3362A>G (p.Tyr1121Cys)

Gene: RYR1 (ryanodine receptor 1; plus strand). Cytogenetic location: 19q13.2.
Variant type: single nucleotide variant.
Coding change: c.3362A>G on transcript NM_000540.3 (MANE Select); coding-DNA position 3362, A replaced by G.
Protein change: p.Tyr1121Cys; replaces tyrosine 1121 with cysteine.
Molecular consequence: missense variant.
Genome position (GRCh38, 1-based): chr19:38,467,793, A>G. VCF-style: chr19-38467793-A-G. GRCh37 (hg19) VCF-style: chr19-38958433-A-G.
Other names: c.3362A>G, p.Tyr1121Cys (NM_001042723.2); short protein forms Y1121C.
Identifiers: ClinVar variation 420141 (VCV000420141.23), dbSNP rs756138074, ClinGen allele CA064719.

ClinVar aggregate classification (germline): Conflicting classifications of pathogenicity. Review status: criteria provided, conflicting classifications (1 of 4 stars). 7 submissions from 7 submitters: Pathogenic (1); Likely pathogenic (4); Uncertain significance (2). Last evaluated 2025-04-11.

Conditions:
RYR1-related disorder. Also called: RYR1-related disorders; RYR1-related condition. Identifiers: MedGen CN239331.
Inborn genetic diseases. Identifiers: MedGen C0950123, MeSH D030342.
Malignant hyperthermia, susceptibility to, 1 (MHS1). Also called: RYR1-Related Malignant Hyperthermia Susceptibility; Malignant hyperthermia suceptibility 1; Anesthesia related hyperthermia; Malignant hyperpyrexia; Fulminating hyperpyrexia; Pharmacogenic myopathy. Identifiers: Orphanet 423, MedGen C2930980, MONDO:0007783, OMIM 145600.
King Denborough syndrome (KDS). Identifiers: MedGen C1840365, MONDO:0020485, OMIM 619542.
Congenital multicore myopathy with external ophthalmoplegia (CMYO1B). Also called: MULTIMINICORE DISEASE WITH EXTERNAL OPHTHALMOPLEGIA; Congenital myopathy 1B, autosomal recessive; Minicore myopathy; MULTICORE MYOPATHY; Minicore myopathy with external ophthalmoplegia. Identifiers: Orphanet 598, Orphanet 98905, MedGen C1850674, MONDO:0009712, OMIM 255320, HP:0003789.
Central core myopathy (CMYO1A). Also called: CONGENITAL MYOPATHY 1A, AUTOSOMAL DOMINANT, WITH SUSCEPTIBILITY TO MALIGNANT HYPERTHERMIA; Central core disease; Myopathy, central fibrillar. Identifiers: Orphanet 597, MedGen C5830701, MONDO:0007294, OMIM 117000.
Myopathy, RYR1-associated.

Allele frequency attached by ClinVar (database versions not stated): gnomAD exomes below 0.00001 and 0.00001; TOPMed below 0.00001; gnomAD 0.00001; ExAC 0.00002.
gnomAD v4.1: 8 of 1,613,918 alleles (0.0005%); highest among the groups gnomAD compares: Admixed American, 0.0033%; no homozygotes.

Submissions (7):

GeneDx
Classification: Likely pathogenic. Last evaluated: 2025-04-11. Review status: criteria provided, single submitter. Criteria: GeneDx Variant Classification Process June 2021. Collection method: clinical testing. Allele origin: germline. Affected: yes.
Comment: Identified in trans with a second RYR1 variant in patients with autosomal recessive RYR1-related disorders referred for genetic testing at GeneDx and in the published literature (PMID: 20839240); Identified with a second RYR1 variant in individuals suspected of having central core disease and congenital myopathy, however it is unknown whether the variants occurred on the same (in cis) or opposite (in trans) chromosomes (PMID: 33458582, 32403337); In silico analysis supports that this missense variant has a deleterious effect on protein structure/function; Not observed at significant frequency in large population cohorts (gnomAD); This variant is associated with the following publications: (PMID: 23919265, 20839240, 32403337, 33333461, 33458582, 33087929, 35538921, 34428338)

Labcorp Genetics (formerly Invitae), Labcorp
Classification: Pathogenic for RYR1-related disorder. Last evaluated: 2025-02-25. Review status: criteria provided, single submitter. Criteria: Invitae Variant Classification Sherloc (09022015). Collection method: clinical testing. Allele origin: germline.
Comment: This sequence change replaces tyrosine, which is neutral and polar, with cysteine, which is neutral and slightly polar, at codon 1121 of the RYR1 protein (p.Tyr1121Cys). This variant is present in population databases (rs756138074, gnomAD 0.003%). This missense change has been observed in individuals with autosomal recessive congenital myopathy (PMID: 20839240, 32403337, 33333461, 33458582). ClinVar contains an entry for this variant (Variation ID: 420141). Invitae Evidence Modeling of protein sequence and biophysical properties (such as structural, functional, and spatial information, amino acid conservation, physicochemical variation, residue mobility, and thermodynamic stability) indicates that this missense variant is not expected to disrupt RYR1 protein function with a negative predictive value of 80%. For these reasons, this variant has been classified as Pathogenic.

All of Us Research Program, National Institutes of Health
Classification: Uncertain significance for Malignant hyperthermia, susceptibility to, 1. Last evaluated: 2024-08-06. Review status: criteria provided, single submitter. Criteria: ACMG Guidelines, 2015. Collection method: clinical testing. Allele origin: germline. Inheritance: Autosomal dominant inheritance. Observed: 3 variant alleles, 3 heterozygotes.
Comment: This missense variant replaces tyrosine with cysteine at codon 1121 of the RYR1 protein. Computational prediction suggests that this variant may have deleterious impact on protein structure and function. To our knowledge, functional studies have not been reported for this variant. This variant has not been reported in individuals affected with autosomal dominant malignant hyperthermia in the literature, although it is associated with other phenotype(s) (ClinVar variation ID: 420141). This variant has been identified in 2/251100 chromosomes in the general population by the Genome Aggregation Database (gnomAD). Due to insufficient evidence, this variant is classified as a Variant of Uncertain Significance for autosomal dominant malignant hyperthermia.

This study involves interpretation of variants in research participants for the purpose of population health screening. Participant phenotype was not available at the time of variant classification. Additional details can be found in publication PMID: 35346344, PMCID: PMC8962531

Color Diagnostics, LLC DBA Color Health
Classification: Uncertain significance for Malignant hyperthermia, susceptibility to, 1. Last evaluated: 2024-02-02. Review status: criteria provided, single submitter. Criteria: ACMG Guidelines, 2015. Collection method: clinical testing. Allele origin: germline.
Comment: This missense variant replaces tyrosine with cysteine at codon 1121 of the RYR1 protein. Computational prediction suggests that this variant may have deleterious impact on protein structure and function. To our knowledge, functional studies have not been reported for this variant. This variant has not been reported in individuals affected with autosomal dominant malignant hyperthermia in the literature, although it is associated with other phenotype(s) (ClinVar variation ID: 420141). This variant has been identified in 2/251100 chromosomes in the general population by the Genome Aggregation Database (gnomAD). Due to insufficient evidence, this variant is classified as a Variant of Uncertain Significance for autosomal dominant malignant hyperthermia.

Women's Health and Genetics/Laboratory Corporation of America, LabCorp
Classification: Likely pathogenic. Last evaluated: 2024-01-11. Review status: criteria provided, single submitter. Criteria: LabCorp Variant Classification Summary - May 2015. Collection method: clinical testing. Allele origin: germline.
Comment: Variant summary: RYR1 c.3362A>G (p.Tyr1121Cys) results in a non-conservative amino acid change in the encoded protein sequence. Four of four in-silico tools predict a damaging effect of the variant on protein function. The variant allele was found at a frequency of 8e-06 in 251100 control chromosomes. c.3362A>G has been reported in the literature in individuals affected with Myopathy, RYR1-Associated. These data indicate that the variant may be associated with disease. To our knowledge, no experimental evidence demonstrating an impact on protein function has been reported. The following publications have been ascertained in the context of this evaluation (PMID: 32403337, 33458582, 20839240). ClinVar contains an entry for this variant (Variation ID: 420141). Based on the evidence outlined above, the variant was classified as likely pathogenic.

Ambry Genetics
Classification: Likely pathogenic for Inborn genetic diseases. Last evaluated: 2015-07-07. Review status: criteria provided, single submitter. Criteria: Ambry exome assertion method (8-5-2015). Collection method: clinical testing. Allele origin: germline. Affected: yes. Observed: 1 variant allele.

Juno Genomics, Hangzhou Juno Genomics, Inc
Classification: Likely pathogenic for Congenital multicore myopathy with external ophthalmoplegia; Central core myopathy; Malignant hyperthermia, susceptibility to, 1; King Denborough syndrome. Review status: criteria provided, single submitter. Criteria: ACMG Guidelines, 2015. Collection method: clinical testing. Allele origin: germline.
Comment: Absent from controls (or at extremely low frequency if recessive) in Genome Aggregation Database.;Multiple lines of computational evidence support a deleterious effect on the gene or gene product.;Missense variant in a gene that has a low rate of benign missense variation.;For recessive disorders, detected in trans with a pathogenic variant.;Patient's phenotype or family history is highly specific for a disease with a single genetic etiology.

Literature cited by the submitters: PubMed 20839240 (cited by Labcorp Genetics (formerly Invitae), Labcorp and Women's Health and Genetics/Laboratory Corporation of America, LabCorp); PubMed 32403337 (cited by Labcorp Genetics (formerly Invitae), Labcorp and Women's Health and Genetics/Laboratory Corporation of America, LabCorp); PubMed 33333461 (cited by Labcorp Genetics (formerly Invitae), Labcorp); PubMed 33458582 (cited by Labcorp Genetics (formerly Invitae), Labcorp and Women's Health and Genetics/Laboratory Corporation of America, LabCorp).